The following is an entry in ClinVar:

ClinVar aggregate classification (germline): Uncertain significance. Review status: criteria provided, multiple submitters, no conflicts (2 of 4 stars). 6 submissions from 6 submitters: Uncertain significance (5). 1 of the submissions does not count toward it. Last evaluated 2026-06-23.

Conditions:
Intellectual disability. Also called: intellectual disabilities; Intellectual functioning disability; Intellectual developmental disorder. Identifiers: MedGen C3714756, MeSH D008607, MONDO:0001071, HP:0001249.
FGFR3-related chondrodysplasia. Identifiers: Orphanet 93420, MedGen C5681604, MONDO:0019685.
FGFR3-related disorder. Also called: FGFR3-related disorders.

Allele frequency attached by ClinVar (database versions not stated): gnomAD 0.00001; TOPMed 0.00002; gnomAD exomes below 0.00001.

Submissions (6):

Genomenon, Inc
Classification: Uncertain significance for FGFR3-related chondrodysplasia. Last evaluated: 2026-06-23. Review status: criteria provided, single submitter. Criteria: Genomenon Sequence Variant Interpretation Standards - Updated. Collection method: curation. Allele origin: germline. Affected: no.
Comment: FGFR3 p.Val229Ile (c.685G>A) is a missense variant that changes the amino acid at codon 229 from Valine to Isoleucine. This variant has been reported in the published literature (PMID:41062690). It is absent or not present at a significant frequency in gnomAD. In silico models predict that this variant is not damaging. In conclusion, we classify FGFR3 p.Val229Ile (c.685G>A) as a variant of uncertain significance.

GeneDx
Classification: Uncertain significance. Last evaluated: 2025-04-10. Review status: criteria provided, single submitter. Criteria: GeneDx Variant Classification Process June 2021. Collection method: clinical testing. Allele origin: germline. Affected: yes.
Comment: Not observed at significant frequency in large population cohorts (gnomAD); In silico analysis indicates that this missense variant does not alter protein structure/function; Has not been previously published as pathogenic or benign to our knowledge

Labcorp Genetics (formerly Invitae), Labcorp
Classification: Uncertain significance. Last evaluated: 2024-04-11. Review status: criteria provided, single submitter. Criteria: Invitae Variant Classification Sherloc (09022015). Collection method: clinical testing. Allele origin: germline.
Comment: This sequence change replaces valine, which is neutral and non-polar, with isoleucine, which is neutral and non-polar, at codon 229 of the FGFR3 protein (p.Val229Ile). This variant is not present in population databases (gnomAD no frequency). This variant has not been reported in the literature in individuals affected with FGFR3-related conditions. ClinVar contains an entry for this variant (Variation ID: 1224471). Advanced modeling of protein sequence and biophysical properties (such as structural, functional, and spatial information, amino acid conservation, physicochemical variation, residue mobility, and thermodynamic stability) performed at Invitae indicates that this missense variant is not expected to disrupt FGFR3 protein function with a negative predictive value of 95%. In summary, the available evidence is currently insufficient to determine the role of this variant in disease. Therefore, it has been classified as a Variant of Uncertain Significance.

Cambridge Genomics Laboratory, East Genomic Laboratory Hub, NHS Genomic Medicine Service
Classification: Uncertain significance for Intellectual disability. Last evaluated: 2020-04-29. Review status: criteria provided, single submitter. Criteria: ACGS Best Practice Guidelines for Variant Classification in Rare Disease 2020. Collection method: clinical testing. Allele origin: germline. Affected: yes. Observed: 1 variant allele.

Blueprint Genetics
Classification: Uncertain significance. Last evaluated: 2019-05-27. Review status: criteria provided, single submitter. Criteria: ACMG Guidelines, 2015. Collection method: clinical testing. Allele origin: germline.

PreventionGenetics, part of Exact Sciences
Classification: Uncertain significance for FGFR3-related condition. Last evaluated: 2023-12-08. Review status: no assertion criteria provided. Collection method: clinical testing. Allele origin: germline. Not counted in ClinVar's aggregate classification.
Comment: The FGFR3 c.685G>A variant is predicted to result in the amino acid substitution p.Val229Ile. To our knowledge, this variant has not been reported in the literature or in a large population database, indicating this variant is rare. At this time, the clinical significance of this variant is uncertain due to the absence of conclusive functional and genetic evidence.

Literature cited by the submitters: PubMed 41062690 (cited by Genomenon, Inc).

NM_000142.5(FGFR3):c.685G>A (p.Val229Ile)

Gene: FGFR3 (fibroblast growth factor receptor 3; plus strand). Cytogenetic location: 4p16.3.
Variant type: single nucleotide variant.
Coding change: c.685G>A on transcript NM_000142.5 (MANE Select); coding-DNA position 685, G replaced by A.
Protein change: p.Val229Ile; replaces valine 229 with isoleucine.
Molecular consequence: missense variant. On other transcripts: non-coding transcript variant (1).
Genome position (GRCh38, 1-based): chr4:1,801,689, G>A. VCF-style: chr4-1801689-G-A. GRCh37 (hg19) VCF-style: chr4-1803416-G-A.
Other names: c.685G>A, p.Val229Ile (NM_001163213.2, NM_001354809.2, NM_001354810.2 and 1 more transcripts); short protein forms V229I.
Identifiers: ClinVar variation 1224471 (VCV001224471.12), dbSNP rs368831528, ClinGen allele CA2809922.